The following is an entry in ClinVar:

NM_000038.6(APC):c.3471G>A (p.Glu1157=)

Gene: APC (APC regulator of Wnt signaling pathway; plus strand). Cytogenetic location: 5q22.2.
Variant type: single nucleotide variant.
Coding change: c.3471G>A on transcript NM_000038.6 (MANE Select); coding-DNA position 3471, G replaced by A.
Protein change: p.Glu1157=; no amino-acid change (glutamic acid 1157 retained).
Molecular consequence: synonymous variant.
Genome position (GRCh38, 1-based): chr5:112,839,065, G>A. VCF-style: chr5-112839065-G-A. GRCh37 (hg19) VCF-style: chr5-112174762-G-A.
Other names: p.E1157E:GAG>GAA; CCDS4107.1:c.3471G>A; c.3471G>A, p.Glu1157= (NM_001127510.3, NM_001354895.2); c.3417G>A, p.Glu1139= (NM_001127511.3); c.3525G>A, p.Glu1175= (NM_001354896.2); c.3501G>A, p.Glu1167= (NM_001354897.2); c.3396G>A, p.Glu1132= (NM_001354898.2); c.3387G>A, p.Glu1129= (NM_001354899.2); and 7 more.
Identifiers: ClinVar variation 92345 (VCV000092345.93), dbSNP rs143927847, ClinGen allele CA008429.

ClinVar aggregate classification (germline): Benign/Likely benign. Review status: criteria provided, multiple submitters, no conflicts (2 of 4 stars). 25 submissions from 25 submitters: Benign (13); Likely benign (3). 9 of the submissions do not count toward it. Last evaluated 2026-09-01.

Conditions:
APC-Associated Polyposis Disorders.
Hereditary cancer-predisposing syndrome. Also called: Neoplastic Syndromes, Hereditary; Tumor predisposition; Hereditary Cancer Syndrome; Hereditary neoplastic syndrome. Identifiers: Orphanet 140162, MedGen C0027672, MeSH D009386, MONDO:0015356.
Familial adenomatous polyposis 1 (FAP1). Also called: POLYPOSIS, ADENOMATOUS INTESTINAL; FAMILIAL ADENOMATOUS POLYPOSIS 1, ATTENUATED. Identifiers: MedGen C2713442, MONDO:0021056, OMIM 175100. Disease mechanism: loss of function.
Carcinoma of colon (CRC). Also called: Colon carcinoma; Colonic carcinoma. Identifiers: MedGen C0699790, MONDO:0002032.

Allele frequency attached by ClinVar (database versions not stated): 1000 Genomes Project 30x 0.00031; 1000 Genomes Project 0.00040; gnomAD exomes 0.00279 and 0.00416; TOPMed 0.00283; gnomAD 0.00297 and 0.00308; ExAC 0.00300; ESP Exome Variant Server 0.00469.
gnomAD v4.1: 6,482 of 1,614,052 alleles (0.4%); highest among the groups gnomAD compares: Non-Finnish European, 0.49%; 13 homozygotes.

Submissions (25):

CeGaT Center for Human Genetics Tuebingen
Classification: Likely benign. Last evaluated: 2026-09-01. Review status: criteria provided, single submitter. Criteria: CeGaT Center For Human Genetics Tuebingen Variant Classification Criteria Version 2. Collection method: clinical testing. Allele origin: germline. Affected: yes. Observed: 39 variant alleles.
Comment: APC: BP4, BP7, BS1

Labcorp Genetics (formerly Invitae), Labcorp
Classification: Benign for Familial adenomatous polyposis 1. Last evaluated: 2026-02-03. Review status: criteria provided, single submitter. Criteria: Invitae Variant Classification Sherloc (09022015). Collection method: clinical testing. Allele origin: germline.

Center for Genomic Medicine, Rigshospitalet, Copenhagen University Hospital
Classification: Likely benign. Last evaluated: 2025-03-04. Review status: criteria provided, single submitter. Criteria: ACMG Guidelines, 2015. Collection method: clinical testing. Allele origin: germline.

ARUP Laboratories, Molecular Genetics and Genomics, ARUP Laboratories
Classification: Benign. Last evaluated: 2025-02-23. Review status: criteria provided, single submitter. Criteria: ARUP Molecular Germline Variant Investigation Process 2024. Collection method: clinical testing. Allele origin: germline.

Blueprint Genetics
Classification: Likely benign. Last evaluated: 2024-11-15. Review status: criteria provided, single submitter. Criteria: ACMG Guidelines, 2015. Collection method: clinical testing. Allele origin: germline.

Myriad Genetics, Inc.
Classification: Benign for Familial adenomatous polyposis 1. Last evaluated: 2024-03-18. Review status: criteria provided, single submitter. Criteria: Myriad Autosomal Dominant, Autosomal Recessive and X-Linked Classification Criteria (2023). Collection method: clinical testing. Allele origin: unknown.
Comment: This variant is considered benign. This variant is a silent/synonymous amino acid change and it is not expected to impact splicing.

Institute for Biomarker Research, Medical Diagnostic Laboratories, L.L.C.
Classification: Benign for Hereditary cancer-predisposing syndrome. Last evaluated: 2023-11-28. Review status: criteria provided, single submitter. Criteria: ACMG Guidelines, 2015. Collection method: clinical testing. Allele origin: germline.

Laboratory for Molecular Medicine, Mass General Brigham Personalized Medicine
Classification: Benign. Last evaluated: 2022-01-31. Review status: criteria provided, single submitter. Criteria: ACMG Guidelines, 2015. Collection method: clinical testing. Allele origin: germline.
Comment: The p.Glu1157Glu variant in APC is classified as benign because it does not alter an amino acid residue, is not located within the splice consensus site, and computational splice prediction tools do not predict an impact on splicing. It has been identified in 0.54% (135/25068) of Finnish chromosomes, including 1 homozygote, by gnomAD. ACMG/AMP Criteria applied: BA1, BP4, BP7.

Sema4
Classification: Benign for Hereditary cancer-predisposing syndrome. Last evaluated: 2020-07-31. Review status: criteria provided, single submitter. Criteria: Sema4 Curation Guidelines. Collection method: curation. Allele origin: germline.

Genetic Services Laboratory, University of Chicago
Classification: Benign. Last evaluated: 2019-12-05. Review status: criteria provided, single submitter. Criteria: ACMG Guidelines, 2015. Collection method: clinical testing. Allele origin: germline. Affected: no.

Illumina Laboratory Services, Illumina
Classification: Benign for APC-Associated Polyposis Disorders. Last evaluated: 2018-01-12. Review status: criteria provided, single submitter. Criteria: ICSL Variant Classification Criteria 13 December 2019. Collection method: clinical testing. Allele origin: germline.
Comment: This variant was observed in the ICSL laboratory as part of a predisposition screen in an ostensibly healthy population. It had not been previously curated by ICSL or reported in the Human Gene Mutation Database (HGMD: prior to June 1st, 2018), and was therefore a candidate for classification through an automated scoring system. Utilizing variant allele frequency, disease prevalence and penetrance estimates, and inheritance mode, an automated score was calculated to assess if this variant is too frequent to cause the disease. Based on the score and internal cut-off values, a variant classified as benign is not then subjected to further curation. The score for this variant resulted in a classification of benign for this disease.

PreventionGenetics, part of Exact Sciences
Classification: Benign. Last evaluated: 2017-03-21. Review status: criteria provided, single submitter. Criteria: ACMG Guidelines, 2015. Collection method: clinical testing. Allele origin: germline.

Color Diagnostics, LLC DBA Color Health
Classification: Benign for Hereditary cancer-predisposing syndrome. Last evaluated: 2016-03-17. Review status: criteria provided, single submitter. Criteria: ACMG Guidelines, 2015. Collection method: clinical testing. Allele origin: germline.

Ambry Genetics
Classification: Benign for Hereditary cancer-predisposing syndrome. Last evaluated: 2014-12-02. Review status: criteria provided, single submitter. Criteria: Ambry Variant Classification Scheme 2023. Collection method: clinical testing. Allele origin: germline.

GeneDx
Classification: Benign. Last evaluated: 2014-01-15. Review status: criteria provided, single submitter. Criteria: GeneDx Variant Classification (06012015). Collection method: clinical testing. Allele origin: germline. Affected: yes.
Comment: This variant is considered likely benign or benign based on one or more of the following criteria: it is a conservative change, it occurs at a poorly conserved position in the protein, it is predicted to be benign by multiple in silico algorithms, and/or has population frequency not consistent with disease.

Eurofins Ntd Llc (ga)
Classification: Benign. Last evaluated: 2013-06-25. Review status: criteria provided, single submitter. Criteria: EGL Classification Definitions 2015. Collection method: clinical testing. Allele origin: germline. Observed: 1 variant allele, 1 heterozygote.

True Health Diagnostics
Classification: Likely benign for Hereditary cancer-predisposing syndrome. Last evaluated: 2017-11-09. Review status: no assertion criteria provided. Collection method: clinical testing. Allele origin: germline. Not counted in ClinVar's aggregate classification.

Clinical Genetics, Academic Medical Center
Classification: Benign. Review status: no assertion criteria provided. Collection method: clinical testing. Allele origin: germline. Affected: yes. Study: VKGL Data-share Consensus. Not counted in ClinVar's aggregate classification.

Department of Pathology and Laboratory Medicine, Sinai Health System
Classification: Benign for Carcinoma of colon. Review status: no assertion criteria provided. Collection method: clinical testing. Allele origin: unknown. Affected: yes. Study: The Canadian Open Genetics Repository (COGR). Not counted in ClinVar's aggregate classification.
Comment: The p.Glu1157Glu variant is listed in dbSNP database (ID#: rs143927847) with an average heterozygosity of 0.011+/-0.074 in the human population, therefore increasing the likelihood that this variant is benign. This variant is not expected to have clinical significance because it does not alter an amino acid residue, is not located near a splice junction. In summary, based on above information this variant is classified as Benign.

Diagnostic Laboratory, Department of Genetics, University Medical Center Groningen
Classification: Likely benign. Review status: no assertion criteria provided. Collection method: clinical testing. Allele origin: germline. Affected: yes. Study: VKGL Data-share Consensus. Not counted in ClinVar's aggregate classification.

Genome Diagnostics Laboratory, Amsterdam University Medical Center
Classification: Benign. Review status: no assertion criteria provided. Collection method: clinical testing. Allele origin: germline. Affected: yes. Study: VKGL Data-share Consensus. Not counted in ClinVar's aggregate classification.

Genome Diagnostics Laboratory, University Medical Center Utrecht
Classification: Benign. Review status: no assertion criteria provided. Collection method: clinical testing. Allele origin: germline. Affected: yes. Study: VKGL Data-share Consensus. Not counted in ClinVar's aggregate classification.

Joint Genome Diagnostic Labs from Nijmegen and Maastricht, Radboudumc and MUMC+
Classification: Likely benign. Review status: no assertion criteria provided. Collection method: clinical testing. Allele origin: germline. Affected: yes. Study: VKGL Data-share Consensus. Not counted in ClinVar's aggregate classification.

Laboratory of Diagnostic Genome Analysis, Leiden University Medical Center (LUMC)
Classification: Benign. Review status: no assertion criteria provided. Collection method: clinical testing. Allele origin: germline. Affected: yes. Study: VKGL Data-share Consensus. Not counted in ClinVar's aggregate classification.

Mayo Clinic Laboratories, Mayo Clinic
Classification: Likely benign. Review status: no assertion criteria provided. Collection method: clinical testing. Allele origin: unknown. Not counted in ClinVar's aggregate classification.